The following is an entry in ClinVar:

NM_001171.6(ABCC6):c.3145T>G (p.Ser1049Ala)

Gene: ABCC6 (ATP binding cassette subfamily C member 6; minus strand). Cytogenetic location: 16p13.11.
Variant type: single nucleotide variant.
Coding change: c.3145T>G on transcript NM_001171.6 (MANE Select); coding-DNA position 3145, T replaced by G.
Protein change: p.Ser1049Ala; replaces serine 1049 with alanine.
Molecular consequence: missense variant. On other transcripts: non-coding transcript variant (1).
Genome position (GRCh38, 1-based): chr16:16,165,784, A>C on the plus strand (T>G on the coding strand, the complement: ABCC6 is on the minus strand). VCF-style: chr16-16165784-A-C. GRCh37 (hg19) VCF-style: chr16-16259641-A-C.
Other names: c.2803T>G, p.Ser935Ala (NM_001351800.1); short protein forms S1049A, S935A.
Identifiers: ClinVar variation 433302 (VCV000433302.11), dbSNP rs72657693, ClinGen allele CA7925678.

ClinVar aggregate classification (germline): Uncertain significance. Review status: criteria provided, multiple submitters, no conflicts (2 of 4 stars). 4 submissions from 4 submitters: Uncertain significance (3). 1 of the submissions does not count toward it. Last evaluated 2026-01-05.

Conditions:
Autosomal recessive inherited pseudoxanthoma elasticum (PXE). Identifiers: Orphanet 758, MedGen CN032334, MONDO:0009925, OMIM 264800.
Arterial calcification, generalized, of infancy, 2. Identifiers: Orphanet 51608, MedGen C3276161, MONDO:0013768, OMIM 614473.
Pseudoxanthoma elasticum, forme fruste. Also called: Pseudoxanthoma Elasticum, Incomplete; PSEUDOXANTHOMA ELASTICUM, HETEROZYGOUS. Identifiers: Orphanet 758, MedGen C1867450, MONDO:0008333, OMIM 177850.

Allele frequency attached by ClinVar (database versions not stated): ExAC 0.00002; gnomAD 0.00002 and 0.00003; TOPMed 0.00002; gnomAD exomes 0.00005.
gnomAD v4.1: 72 of 1,613,590 alleles (0.0045%); highest among the groups gnomAD compares: Admixed American, 0.01%; no homozygotes.

Submissions (4):

Labcorp Genetics (formerly Invitae), Labcorp
Classification: Uncertain significance. Last evaluated: 2026-01-05. Review status: criteria provided, single submitter. Criteria: Invitae Variant Classification Sherloc (09022015). Collection method: clinical testing. Allele origin: germline.
Comment: This sequence change replaces serine, which is neutral and polar, with alanine, which is neutral and non-polar, at codon 1049 of the ABCC6 protein (p.Ser1049Ala). This variant is present in population databases (rs72657693, gnomAD 0.01%). This missense change has been observed in individual(s) with pseudoxanthoma elasticum (PMID: 16835894). ClinVar contains an entry for this variant (Variation ID: 433302). Invitae Evidence Modeling of protein sequence and biophysical properties (such as structural, functional, and spatial information, amino acid conservation, physicochemical variation, residue mobility, and thermodynamic stability) has been performed for this missense variant. However, the output from this modeling did not meet the statistical confidence thresholds required to predict the impact of this variant on ABCC6 protein function. In summary, the available evidence is currently insufficient to determine the role of this variant in disease. Therefore, it has been classified as a Variant of Uncertain Significance.

Blueprint Genetics
Classification: Uncertain significance. Last evaluated: 2024-05-30. Review status: criteria provided, single submitter. Criteria: ACMG Guidelines, 2015. Collection method: clinical testing. Allele origin: germline.

Fulgent Genetics
Classification: Uncertain significance for Pseudoxanthoma elasticum, forme fruste; Autosomal recessive inherited pseudoxanthoma elasticum; Arterial calcification, generalized, of infancy, 2. Last evaluated: 2022-02-11. Review status: criteria provided, single submitter. Criteria: ACMG Guidelines, 2015. Collection method: clinical testing. Allele origin: unknown.

PXE International
Classification: Uncertain significance for Autosomal recessive inherited pseudoxanthoma elasticum. Last evaluated: 2021-02-16. Review status: no assertion criteria provided. Collection method: research. Allele origin: germline. Inheritance: Autosomal recessive inheritance. Affected: yes. Not counted in ClinVar's aggregate classification.

Literature cited by the submitters: PubMed 16835894 (cited by Labcorp Genetics (formerly Invitae), Labcorp and PXE International); PubMed 32873932 (cited by PXE International).